The following is an entry in ClinVar:

ClinVar aggregate classification (germline): Conflicting classifications of pathogenicity. Review status: criteria provided, conflicting classifications (1 of 4 stars). 4 submissions from 4 submitters: Likely pathogenic (2); Uncertain significance (2). Last evaluated 2025-09-04.

Conditions:
Autosomal recessive Alport syndrome (ATS2). Also called: COL4A4 Alport Syndrome and Thin Basement Membrane Nephropathy; COL4A3-Related Nephropathy; Alport syndrome type 2; ALPORT SYNDROME 2, AUTOSOMAL RECESSIVE. Identifiers: Orphanet 63, Orphanet 88919, MedGen C4746745, MONDO:0008762, OMIM 203780.
Hematuria, benign familial, 1 (BFH1). Also called: THIN MEMBRANE NEPHROPATHY. Identifiers: MedGen CN376803, MONDO:0007709, OMIM 141200.
Alport syndrome. Also called: Hemorrhagic familial nephritis; Hemorrhagic hereditary nephritis; Congenital hereditary hematuria. Identifiers: Orphanet 63, MedGen C1567741, MONDO:0018965.

Allele frequency attached by ClinVar (database versions not stated): gnomAD exomes below 0.00001 and 0.00001; ExAC 0.00001.
gnomAD v4.1: 2 of 1,614,078 alleles (0.00012%); no homozygotes.

Submissions (4):

Natera, Inc.
Classification: Likely pathogenic for Alport syndrome. Last evaluated: 2025-09-04. Review status: criteria provided, single submitter. Criteria: Natera Variant Classification Schema (03/2026). Collection method: clinical testing. Allele origin: germline.
Comment: The c.4091G>T variant in COL4A4 is a missense variant predicted to cause substitution of glycine to valine at amino acid 1364. This variant is rare in the general population with a frequency below the threshold expected for the associated phenotype(s). This variant is located in a functionally critical region of the protein. Computational prediction algorithms indicate this variant is likely to affect gene or protein function. Given the available evidence, this variant is classified as Likely Pathogenic.

Labcorp Genetics (formerly Invitae), Labcorp
Classification: Uncertain significance. Last evaluated: 2024-06-29. Review status: criteria provided, single submitter. Criteria: Invitae Variant Classification Sherloc (09022015). Collection method: clinical testing. Allele origin: germline.
Comment: This sequence change replaces glycine, which is neutral and non-polar, with valine, which is neutral and non-polar, at codon 1364 of the COL4A4 protein (p.Gly1364Val). This variant is present in population databases (rs770364064, gnomAD 0.02%). This variant has not been reported in the literature in individuals affected with COL4A4-related conditions. ClinVar contains an entry for this variant (Variation ID: 1043426). Experimental studies and prediction algorithms are not available or were not evaluated, and the functional significance of this variant is currently unknown. Algorithms developed to predict the effect of sequence changes on RNA splicing suggest that this variant may disrupt the consensus splice site. In summary, the available evidence is currently insufficient to determine the role of this variant in disease. Therefore, it has been classified as a Variant of Uncertain Significance.

Fulgent Genetics
Classification: Likely pathogenic for Hematuria, benign familial, 1; Autosomal recessive Alport syndrome. Last evaluated: 2024-04-25. Review status: criteria provided, single submitter. Criteria: ACMG Guidelines, 2015. Collection method: clinical testing. Allele origin: germline.

Blueprint Genetics
Classification: Uncertain significance. Last evaluated: 2021-04-23. Review status: criteria provided, single submitter. Criteria: ACMG Guidelines, 2015. Collection method: clinical testing. Allele origin: germline.

NM_000092.5(COL4A4):c.4091G>T (p.Gly1364Val)

Gene: COL4A4 (collagen type IV alpha 4 chain; minus strand). Cytogenetic location: 2q36.3.
Variant type: single nucleotide variant.
Coding change: c.4091G>T on transcript NM_000092.5 (MANE Select); coding-DNA position 4091, G replaced by T.
Protein change: p.Gly1364Val; replaces glycine 1364 with valine.
Molecular consequence: missense variant.
Genome position (GRCh38, 1-based): chr2:227,022,173, C>A on the plus strand (G>T on the coding strand, the complement: COL4A4 is on the minus strand). VCF-style: chr2-227022173-C-A. GRCh37 (hg19) VCF-style: chr2-227886889-C-A.
Other names: c.4091G>T (NM_000092.4); short protein forms G1364V.
Identifiers: ClinVar variation 1043426 (VCV001043426.11), dbSNP rs770364064, ClinGen allele CA2144277.